The following is an entry in ClinVar:

NM_007294.4(BRCA1):c.4446T>A (p.Asp1482Glu)

Gene: BRCA1 (BRCA1 DNA repair associated; minus strand). Cytogenetic location: 17q21.31.
Variant type: single nucleotide variant.
Coding change: c.4446T>A on transcript NM_007294.4 (MANE Select); coding-DNA position 4446, T replaced by A.
Protein change: p.Asp1482Glu; replaces aspartic acid 1482 with glutamic acid.
Molecular consequence: missense variant. On other transcripts: intron variant (3).
Genome position (GRCh38, 1-based): chr17:43,076,526, A>T on the plus strand (T>A on the coding strand, the complement: BRCA1 is on the minus strand). VCF-style: chr17-43076526-A-T. GRCh37 (hg19) VCF-style: chr17-41228543-A-T.
Other names: c.4233T>A, p.Asp1411Glu (NM_001407571.1, NM_001407894.1, NM_001407895.1 and 12 more transcripts); c.4512T>A, p.Asp1504Glu (NM_001407581.1, NM_001407582.1); c.4509T>A, p.Asp1503Glu (NM_001407583.1, NM_001407585.1, NM_001407587.1 and 1 more transcripts); c.4506T>A, p.Asp1502Glu (NM_001407590.1, NM_001407591.1); c.4446T>A, p.Asp1482Glu (NM_001407593.1, NM_001407594.1, NM_001407596.1 and 8 more transcripts); c.4443T>A, p.Asp1481Glu (NM_001407610.1, NM_001407611.1, NM_001407612.1 and 17 more transcripts); c.4440T>A, p.Asp1480Glu (NM_001407627.1, NM_001407628.1, NM_001407629.1 and 14 more transcripts); c.4437T>A, p.Asp1479Glu (NM_001407644.1, NM_001407645.1); and 71 more; short protein forms D1186E, D1313E, D1355E, D1411E, D1434E, D1439E, D1463E, D1477E.
Identifiers: ClinVar variation 2992774 (VCV002992774.3), dbSNP rs1555582586, ClinGen allele CA10592644.

ClinVar aggregate classification (germline): Uncertain significance (1 of 4 stars; one submission).

Conditions:
Hereditary breast ovarian cancer syndrome. Also called: BRCA1- and BRCA2-Associated Hereditary Breast and Ovarian Cancer; Hereditary breast and ovarian cancer syndrome; Hereditary breast and/or ovarian cancer syndrome; Hereditary breast and ovarian cancer; Hereditary breast and ovarian cancer syndrome (HBOC); Breast and ovarian cancer. Identifiers: Orphanet 145, MedGen C0677776, MeSH D061325, MONDO:0003582. Disease mechanism: loss of function.

Submission:

Labcorp Genetics (formerly Invitae), Labcorp
Classification: Uncertain significance for Hereditary breast ovarian cancer syndrome. Last evaluated: 2023-06-15. Review status: criteria provided, single submitter. Criteria: Invitae Variant Classification Sherloc (09022015). Collection method: clinical testing. Allele origin: germline.
Comment: In summary, the available evidence is currently insufficient to determine the role of this variant in disease. Therefore, it has been classified as a Variant of Uncertain Significance. Advanced modeling of protein sequence and biophysical properties (such as structural, functional, and spatial information, amino acid conservation, physicochemical variation, residue mobility, and thermodynamic stability) performed at Invitae indicates that this missense variant is not expected to disrupt BRCA1 protein function. This variant has not been reported in the literature in individuals affected with BRCA1-related conditions. This variant is not present in population databases (gnomAD no frequency). This sequence change replaces aspartic acid, which is acidic and polar, with glutamic acid, which is acidic and polar, at codon 1482 of the BRCA1 protein (p.Asp1482Glu).